The following is an entry in ClinVar:

ClinVar aggregate classification (germline): Uncertain significance (1 of 4 stars; one submission).

Conditions:
Hereditary cancer-predisposing syndrome. Also called: Hereditary Cancer Syndrome; Neoplastic Syndromes, Hereditary; Hereditary neoplastic syndrome; Tumor predisposition. Identifiers: Orphanet 140162, MedGen C0027672, MeSH D009386, MONDO:0015356.

Submission:

Ambry Genetics
Classification: Uncertain significance for Hereditary cancer-predisposing syndrome. Last evaluated: 2023-10-17. Review status: criteria provided, single submitter. Criteria: Ambry Variant Classification Scheme 2023. Collection method: clinical testing. Allele origin: germline.
Comment: The p.W1047G variant (also known as c.3139T>G), located in coding exon 4 of the MSH6 gene, results from a T to G substitution at nucleotide position 3139. The tryptophan at codon 1047 is replaced by glycine, an amino acid with highly dissimilar properties. This amino acid position is highly conserved in available vertebrate species. In addition, this alteration is predicted to be deleterious by in silico analysis. Since supporting evidence is limited at this time, the clinical significance of this alteration remains unclear.

NM_000179.3(MSH6):c.3139T>G (p.Trp1047Gly)

Gene: MSH6 (mutS homolog 6; plus strand). Cytogenetic location: 2p16.3.
Variant type: single nucleotide variant.
Coding change: c.3139T>G on transcript NM_000179.3 (MANE Select); coding-DNA position 3139, T replaced by G.
Protein change: p.Trp1047Gly; replaces tryptophan 1047 with glycine.
Molecular consequence: missense variant.
Genome position (GRCh38, 1-based): chr2:47,801,122, T>G. VCF-style: chr2-47801122-T-G. GRCh37 (hg19) VCF-style: chr2-48028261-T-G.
Other names: c.2233T>G, p.Trp745Gly (NM_001281494.2, NM_001281493.2); c.2749T>G, p.Trp917Gly (NM_001281492.2); short protein forms W1047G, W745G, W917G.
Identifiers: ClinVar variation 428375 (VCV000428375.5), dbSNP rs1114167753, ClinGen allele CA346756684.